The following is an entry in ClinVar:

ClinVar aggregate classification (germline): Likely benign (1 of 4 stars; one submission).

Submission:

CeGaT Center for Human Genetics Tuebingen
Classification: Likely benign. Last evaluated: 2023-03-01. Review status: criteria provided, single submitter. Criteria: CeGaT Center For Human Genetics Tuebingen Variant Classification Criteria Version 2. Collection method: clinical testing. Allele origin: germline. Affected: yes. Observed: 1 variant allele.
Comment: TXNDC2: BP4, BP7

NM_032243.6(TXNDC2):c.861C>T (p.Pro287=)

Gene: TXNDC2 (thioredoxin domain containing 2; plus strand). Cytogenetic location: 18p11.22.
Variant type: single nucleotide variant.
Coding change: c.861C>T on transcript NM_032243.6 (MANE Select); coding-DNA position 861, C replaced by T.
Protein change: p.Pro287=; no amino-acid change (proline 287 retained).
Molecular consequence: synonymous variant.
Genome position (GRCh38, 1-based): chr18:9,887,541, C>T. VCF-style: chr18-9887541-C-T. GRCh37 (hg19) VCF-style: chr18-9887538-C-T.
Other names: c.1062C>T, p.Pro354= (NM_001098529.2); c.861C>T, p.Pro287= (NM_001098530.1).
Identifiers: ClinVar variation 2648572 (VCV002648572.24), dbSNP rs138133943, ClinGen allele CA295957697.